The following is an entry in ClinVar:

ClinVar aggregate classification (germline): Uncertain significance (0 of 4 stars; one submission).

Conditions:
ALMS1-related disorder. Also called: ALMS1-related condition.

Submission:

PreventionGenetics, part of Exact Sciences
Classification: Uncertain significance for ALMS1-related condition. Last evaluated: 2024-08-09. Review status: no assertion criteria provided. Collection method: clinical testing. Allele origin: germline.
Comment: The ALMS1 c.5762T>C variant is predicted to result in the amino acid substitution p.Val1921Ala. To our knowledge, this variant has not been reported in the literature. This variant is reported in 0.092% of alleles in individuals of East Asian descent in gnomAD. Although we suspect that this variant may be benign, at this time, the clinical significance of this variant is uncertain due to the absence of conclusive functional and genetic evidence.

NM_001378454.1(ALMS1):c.5759T>C (p.Val1920Ala)

Gene: ALMS1 (ALMS1 centrosome and basal body associated protein; plus strand). Cytogenetic location: 2p13.1.
Variant type: single nucleotide variant.
Coding change: c.5759T>C on transcript NM_001378454.1 (MANE Select); coding-DNA position 5759, T replaced by C.
Protein change: p.Val1920Ala; replaces valine 1920 with alanine.
Molecular consequence: missense variant.
Genome position (GRCh38, 1-based): chr2:73,452,286, T>C. VCF-style: chr2-73452286-T-C. GRCh37 (hg19) VCF-style: chr2-73679413-T-C.
Other names: c.5762T>C, p.Val1921Ala (NM_015120.4); short protein forms V1920A, V1921A.
Identifiers: ClinVar variation 3356486 (VCV003356486.1).